The following is an entry in ClinVar:

NM_001458.5(FLNC):c.2885C>A (p.Pro962His)

Gene: FLNC (filamin C; plus strand). Cytogenetic location: 7q32.1.
Variant type: single nucleotide variant.
Coding change: c.2885C>A on transcript NM_001458.5 (MANE Select); coding-DNA position 2885, C replaced by A.
Protein change: p.Pro962His; replaces proline 962 with histidine.
Molecular consequence: missense variant.
Genome position (GRCh38, 1-based): chr7:128,843,869, C>A. VCF-style: chr7-128843869-C-A. GRCh37 (hg19) VCF-style: chr7-128483923-C-A.
Other names: c.2885C>A, p.Pro962His (NM_001127487.2); short protein forms P962H.
Identifiers: ClinVar variation 2929191 (VCV002929191.3), dbSNP rs752778846, ClinGen allele CA4474891.

ClinVar aggregate classification (germline): Uncertain significance (1 of 4 stars; one submission).

Conditions:
Hypertrophic cardiomyopathy 26. Also called: Cardiomyopathy, familial hypertrophic, 26. Identifiers: Orphanet 75249, MedGen C4310749, MONDO:0014883, OMIM 617047.
Myofibrillar myopathy 5. Also called: Filaminopathy (type); FILAMINOPATHY, AUTOSOMAL DOMINANT. Identifiers: Orphanet 171445, MedGen C1836050, MONDO:0012289, OMIM 609524.
Distal myopathy with posterior leg and anterior hand involvement. Also called: WILLIAMS DISTAL MYOPATHY. Identifiers: Orphanet 63273, MedGen C3279722, MONDO:0013550, OMIM 614065.

Allele frequency attached by ClinVar (database versions not stated): gnomAD exomes below 0.00001; ExAC 0.00002.
gnomAD v4.1: 1 of 1,614,048 alleles (0.000062%); highest among the groups gnomAD compares: Non-Finnish European, 0.000085%; no homozygotes.

Submission:

Labcorp Genetics (formerly Invitae), Labcorp
Classification: Uncertain significance for Distal myopathy with posterior leg and anterior hand involvement; Myofibrillar myopathy 5; Hypertrophic cardiomyopathy 26. Last evaluated: 2023-09-06. Review status: criteria provided, single submitter. Criteria: Invitae Variant Classification Sherloc (09022015). Collection method: clinical testing. Allele origin: germline.
Comment: In summary, the available evidence is currently insufficient to determine the role of this variant in disease. Therefore, it has been classified as a Variant of Uncertain Significance. Advanced modeling of protein sequence and biophysical properties (such as structural, functional, and spatial information, amino acid conservation, physicochemical variation, residue mobility, and thermodynamic stability) has been performed at Invitae for this missense variant, however the output from this modeling did not meet the statistical confidence thresholds required to predict the impact of this variant on FLNC protein function. This variant has not been reported in the literature in individuals affected with FLNC-related conditions. This variant is present in population databases (rs752778846, gnomAD 0.002%). This sequence change replaces proline, which is neutral and non-polar, with histidine, which is basic and polar, at codon 962 of the FLNC protein (p.Pro962His).